The following is an entry in ClinVar:

ClinVar aggregate classification (germline): Conflicting classifications of pathogenicity. Review status: criteria provided, conflicting classifications (1 of 4 stars). 2 submissions from 2 submitters: Uncertain significance (1); Likely benign (1). Last evaluated 2024-02-01.

Conditions:
Usher syndrome type 3B. Also called: USHER SYNDROME, TYPE IIIB. Identifiers: MedGen C3281066, MONDO:0013788, OMIM 614504.

Allele frequency attached by ClinVar (database versions not stated): TOPMed below 0.00001; gnomAD exomes 0.00001; ExAC 0.00002.
gnomAD v4.1: 3 of 1,608,354 alleles (0.00019%); highest among the groups gnomAD compares: Admixed American, 0.005%; no homozygotes.

Submissions (2):

CeGaT Center for Human Genetics Tuebingen
Classification: Likely benign. Last evaluated: 2024-02-01. Review status: criteria provided, single submitter. Criteria: CeGaT Center For Human Genetics Tuebingen Variant Classification Criteria Version 2. Collection method: clinical testing. Allele origin: germline. Affected: yes. Observed: 1 variant allele.
Comment: HARS1: BP4

Labcorp Genetics (formerly Invitae), Labcorp
Classification: Uncertain significance for Usher syndrome type 3B. Last evaluated: 2023-10-13. Review status: criteria provided, single submitter. Criteria: Invitae Variant Classification Sherloc (09022015). Collection method: clinical testing. Allele origin: germline.
Comment: This sequence change replaces glycine, which is neutral and non-polar, with serine, which is neutral and polar, at codon 20 of the HARS protein (p.Gly20Ser). This variant is present in population databases (rs766547643, gnomAD 0.006%). This variant has not been reported in the literature in individuals affected with HARS-related conditions. ClinVar contains an entry for this variant (Variation ID: 1981675). Algorithms developed to predict the effect of missense changes on protein structure and function output the following: SIFT: "Not Available"; PolyPhen-2: "Benign"; Align-GVGD: "Not Available". The serine amino acid residue is found in multiple mammalian species, which suggests that this missense change does not adversely affect protein function. In summary, the available evidence is currently insufficient to determine the role of this variant in disease. Therefore, it has been classified as a Variant of Uncertain Significance.

NM_002109.6(HARS1):c.58G>A (p.Gly20Ser)

Genes: HARS1 (histidyl-tRNA synthetase 1; minus strand), LOC129994848 (ATAC-STARR-seq lymphoblastoid active region 23285; plus strand). Cytogenetic location: 5q31.3.
Variant type: single nucleotide variant.
Coding change: c.58G>A on transcript NM_002109.6 (MANE Select); coding-DNA position 58, G replaced by A.
Protein change: p.Gly20Ser; replaces glycine 20 with serine.
Molecular consequence: missense variant. On other transcripts: intron variant (1).
Genome position (GRCh38, 1-based): chr5:140,691,247, C>T on the plus strand (G>A on the coding strand, the complement: HARS1 is on the minus strand). VCF-style: chr5-140691247-C-T. GRCh37 (hg19) VCF-style: chr5-140070832-C-T.
Other names: c.58G>A, p.Gly20Ser (NM_001258040.3, NM_001258041.3, NM_001258042.3 and 2 more transcripts); c.3+55G>A (NM_001289094.2); short protein forms G20S.
Identifiers: ClinVar variation 1981675 (VCV001981675.26), dbSNP rs766547643, ClinGen allele CA3444229.